The following is an entry in ClinVar:

NM_022089.4(ATP13A2):c.1649C>A (p.Pro550His)

Gene: ATP13A2 (ATPase cation transporting 13A2; minus strand). Cytogenetic location: 1p36.13.
Variant type: single nucleotide variant.
Coding change: c.1649C>A on transcript NM_022089.4 (MANE Select); coding-DNA position 1649, C replaced by A.
Protein change: p.Pro550His; replaces proline 550 with histidine.
Molecular consequence: missense variant.
Genome position (GRCh38, 1-based): chr1:16,993,729, G>T on the plus strand (C>A on the coding strand, the complement: ATP13A2 is on the minus strand). VCF-style: chr1-16993729-G-T. GRCh37 (hg19) VCF-style: chr1-17320224-G-T.
Other names: c.1634C>A, p.Pro545His (NM_001141973.3, NM_001141974.3); short protein forms P545H, P550H.
Identifiers: ClinVar variation 1062357 (VCV001062357.5), dbSNP rs1379076892, ClinGen allele CA338248577.

ClinVar aggregate classification (germline): Uncertain significance. Review status: criteria provided, multiple submitters, no conflicts (2 of 4 stars). 2 submissions from 2 submitters: Uncertain significance (2). Last evaluated 2023-11-01.

Conditions:
Autosomal recessive spastic paraplegia type 78. Identifiers: Orphanet 513436, MedGen C5567893, MONDO:0014975, OMIM 617225.
Kufor-Rakeb syndrome (KRS). Also called: PARKINSON DISEASE 9, AUTOSOMAL RECESSIVE, JUVENILE-ONSET. Identifiers: Orphanet 306674, Orphanet 314632, MedGen C1847640, MONDO:0011706, OMIM 606693.

Allele frequency attached by ClinVar (database versions not stated): gnomAD exomes 0.00001.
gnomAD v4.1: 9 of 1,593,820 alleles (0.00056%); highest among the groups gnomAD compares: East Asian, 0.0023%; no homozygotes.

Submissions (2):

Labcorp Genetics (formerly Invitae), Labcorp
Classification: Uncertain significance for Kufor-Rakeb syndrome; Autosomal recessive spastic paraplegia type 78. Last evaluated: 2023-11-01. Review status: criteria provided, single submitter. Criteria: Invitae Variant Classification Sherloc (09022015). Collection method: clinical testing. Allele origin: germline.
Comment: This sequence change replaces proline, which is neutral and non-polar, with histidine, which is basic and polar, at codon 550 of the ATP13A2 protein (p.Pro550His). This variant is not present in population databases (gnomAD no frequency). This missense change has been observed in individual(s) with clinical features of ATP13A2-related conditions (PMID: 36703223). ClinVar contains an entry for this variant (Variation ID: 1062357). Advanced modeling of protein sequence and biophysical properties (such as structural, functional, and spatial information, amino acid conservation, physicochemical variation, residue mobility, and thermodynamic stability) performed at Invitae indicates that this missense variant is not expected to disrupt ATP13A2 protein function with a negative predictive value of 80%. In summary, the available evidence is currently insufficient to determine the role of this variant in disease. Therefore, it has been classified as a Variant of Uncertain Significance.

Dubai Health Genomic Medicine Center, Dubai Health
Classification: Uncertain significance for Autosomal recessive spastic paraplegia type 78. Last evaluated: 2020-12-17. Review status: criteria provided, single submitter. Criteria: ACMG Guidelines, 2015. Collection method: clinical testing. Allele origin: germline. Affected: yes.
Comment: The p.Pro550His missense variant in ATP13A2 has not been previously reported in individuals with disease and was absent from large population studies such as the Genome Aggregation Database (gnomAD) and the Greater Middle East (GME) variome database. Computational prediction tools and conservation analyses suggest this variant may not impact the protein though this information is not predictive enough to rule out pathogenicity. In summary additional information is needed to fully assess the clinical significance of this variant.

Literature cited by the submitters: PubMed 36703223 (cited by Labcorp Genetics (formerly Invitae), Labcorp).